The following is an entry in ClinVar:

ClinVar aggregate classification (germline): Likely benign (1 of 4 stars; one submission).

Conditions:
Familial cancer of breast. Also called: hereditary breast carcinoma; BREAST CANCER, FAMILIAL; Hereditary breast cancer. Identifiers: Orphanet 227535, MedGen C0346153, MONDO:0016419, OMIM 114480. Disease mechanism: loss of function.

gnomAD v4.1: 1 of 1,572,438 alleles (0.000064%); highest among the groups gnomAD compares: East Asian, 0.0022%; no homozygotes.

Submission:

Myriad Genetics, Inc.
Classification: Likely benign for Familial cancer of breast. Last evaluated: 2024-06-20. Review status: criteria provided, single submitter. Criteria: Myriad Autosomal Dominant, Autosomal Recessive and X-Linked Classification Criteria (2023). Collection method: clinical testing. Allele origin: unknown.
Comment: This variant is considered likely benign. This variant is intronic and is not expected to impact mRNA splicing.

NM_000051.4(ATM):c.8672-17T>C

Genes: ATM (ATM serine/threonine kinase; plus strand), C11orf65 (chromosome 11 open reading frame 65; minus strand). Cytogenetic location: 11q22.3.
Variant type: single nucleotide variant.
Coding change: c.8672-17T>C on transcript NM_000051.4 (MANE Select); 17 bases into the intron before coding-DNA position 8672, T replaced by C.
Molecular consequence: intron variant.
Genome position (GRCh38, 1-based): chr11:108,353,749, T>C. VCF-style: chr11-108353749-T-C. GRCh37 (hg19) VCF-style: chr11-108224476-T-C.
Other names: c.8672-17T>C (NM_001351834.2); c.640+32171A>G (NM_001330368.2); c.695-18457A>G (NM_001351110.2).
Identifiers: ClinVar variation 3253844 (VCV003253844.1), dbSNP rs2089487400.
Genomic context (GRCh38, chr11:108,353,749, plus strand): 5'-GTAAAGTTCACATTCTAACTGGAAAGAAAGTAAATTAGCTGTCAAACCTCCTAACTTCAC[T>C]GTATTCTTTACTTTAGGTGTTGCTTTTGAACAGGGCAAAATCCTTCCTACTCCTGAGACA-3'